The following is an entry in ClinVar:

NM_001128227.2(GNE):c.-193C>T

Gene: GNE (glucosamine (UDP-N-acetyl)-2-epimerase/N-acetylmannosamine kinase; minus strand). Cytogenetic location: 9p13.3.
Variant type: single nucleotide variant.
Coding change: c.-193C>T on transcript NM_001128227.2; 193 bases upstream of the start codon, C replaced by T.
Genome position (GRCh38, 1-based): chr9:36,277,137, G>A on the plus strand (C>T on the coding strand, the complement: GNE is on the minus strand). VCF-style: chr9-36277137-G-A. GRCh37 (hg19) VCF-style: chr9-36277134-G-A.
Identifiers: ClinVar variation 672459 (VCV000672459.4), dbSNP rs117403207, ClinGen allele CA192854670.

ClinVar aggregate classification (germline): Likely benign. Review status: criteria provided, multiple submitters, no conflicts (2 of 4 stars). 2 submissions from 2 submitters: Likely benign (2). Last evaluated 2018-06-16.

Allele frequency attached by ClinVar (database versions not stated): 1000 Genomes Project 0.00339; TOPMed 0.00878; gnomAD 0.00948 and 0.00931; 1000 Genomes Project 30x 0.00359; gnomAD exomes 0.01275.

Submissions (2):

GeneDx
Classification: Likely benign. Last evaluated: 2018-06-16. Review status: criteria provided, single submitter. Criteria: GeneDx Variant Classification (06012015). Collection method: clinical testing. Allele origin: germline. Affected: yes.
Comment: This variant is considered likely benign or benign based on one or more of the following criteria: it is a conservative change, it occurs at a poorly conserved position in the protein, it is predicted to be benign by multiple in silico algorithms, and/or has population frequency not consistent with disease.

Breakthrough Genomics
Classification: Likely benign. Review status: criteria provided, single submitter. Criteria: ACMG Guidelines, 2015. Collection method: not provided. Allele origin: germline. Inheritance: Autosomal recessive inheritance. Affected: yes.